The following is an entry in ClinVar:

ClinVar aggregate classification (germline): Uncertain significance (1 of 4 stars; one submission).

Submission:

Labcorp Genetics (formerly Invitae), Labcorp
Classification: Uncertain significance. Last evaluated: 2022-11-02. Review status: criteria provided, single submitter. Criteria: Invitae Variant Classification Sherloc (09022015). Collection method: clinical testing. Allele origin: germline.
Comment: In summary, the available evidence is currently insufficient to determine the role of this variant in disease. Therefore, it has been classified as a Variant of Uncertain Significance. Advanced modeling of protein sequence and biophysical properties (such as structural, functional, and spatial information, amino acid conservation, physicochemical variation, residue mobility, and thermodynamic stability) performed at Invitae indicates that this missense variant is not expected to disrupt PRPF6 protein function. This variant has not been reported in the literature in individuals affected with PRPF6-related conditions. This variant is not present in population databases (gnomAD no frequency). This sequence change replaces histidine, which is basic and polar, with tyrosine, which is neutral and polar, at codon 587 of the PRPF6 protein (p.His587Tyr).

NM_012469.4(PRPF6):c.1759C>T (p.His587Tyr)

Gene: PRPF6 (pre-mRNA processing factor 6; plus strand). Cytogenetic location: 20q13.33.
Variant type: single nucleotide variant.
Coding change: c.1759C>T on transcript NM_012469.4 (MANE Select); coding-DNA position 1759, C replaced by T.
Protein change: p.His587Tyr; replaces histidine 587 with tyrosine.
Molecular consequence: missense variant.
Genome position (GRCh38, 1-based): chr20:64,022,868, C>T. VCF-style: chr20-64022868-C-T. GRCh37 (hg19) VCF-style: chr20-62654221-C-T.
Other names: short protein forms H587Y.
Identifiers: ClinVar variation 2786556 (VCV002786556.3), dbSNP rs2517646636, ClinGen allele CA409733921.